The following is an entry in ClinVar:

ClinVar aggregate classification (germline): Benign/Likely benign. Review status: criteria provided, multiple submitters, no conflicts (2 of 4 stars). 2 submissions from 2 submitters: Benign (1); Likely benign (1). Last evaluated 2024-09-12.

Conditions:
Hereditary diffuse gastric adenocarcinoma (HDGC). Also called: DIFFUSE GASTRIC AND LOBULAR BREAST CANCER SYNDROME. Identifiers: Orphanet 26106, MedGen C1708349, MONDO:0007648, OMIM 137215.

Submissions (2):

Myriad Genetics, Inc.
Classification: Benign for Hereditary diffuse gastric adenocarcinoma. Last evaluated: 2024-09-12. Review status: criteria provided, single submitter. Criteria: Myriad Autosomal Dominant, Autosomal Recessive and X-Linked Classification Criteria (2023). Collection method: clinical testing. Allele origin: unknown.
Comment: This variant is considered benign. This variant is a silent/synonymous amino acid change and it is not expected to impact splicing.

Labcorp Genetics (formerly Invitae), Labcorp
Classification: Likely benign for Hereditary diffuse gastric adenocarcinoma. Last evaluated: 2024-03-30. Review status: criteria provided, single submitter. Criteria: Invitae Variant Classification Sherloc (09022015). Collection method: clinical testing. Allele origin: germline.

NM_004360.5(CDH1):c.189A>C (p.Arg63=)

Gene: CDH1 (cadherin 1; plus strand). Cytogenetic location: 16q22.1.
Variant type: single nucleotide variant.
Coding change: c.189A>C on transcript NM_004360.5 (MANE Select); coding-DNA position 189, A replaced by C.
Protein change: p.Arg63=; no amino-acid change (arginine 63 retained).
Molecular consequence: synonymous variant. On other transcripts: 5 prime UTR variant (2).
Genome position (GRCh38, 1-based): chr16:68,801,695, A>C. VCF-style: chr16-68801695-A-C. GRCh37 (hg19) VCF-style: chr16-68835598-A-C.
Other names: c.189A>C, p.Arg63= (NM_001317184.2); c.-1427A>C (NM_001317185.2); c.-1631A>C (NM_001317186.2).
Identifiers: ClinVar variation 3378542 (VCV003378542.3).
Genomic context (GRCh38, chr16:68,801,695, plus strand): 5'-CCAATTTCCTAATCTCTGTGATTTCTGCCCTGCAGTGAATTTTGAAGATTGCACCGGTCG[A>C]CAAAGGACAGCCTATTTTTCCCTCGACACCCGATTCAAAGTGGGCACAGATGGTGTGATT-3'
Protein context (NP_004351.1, residues 53-73): GRVNFEDCTG[Arg63=]QRTAYFSLDT